The following is an entry in ClinVar:

ClinVar aggregate classification (germline): Uncertain significance (0 of 4 stars; one submission).

Conditions:
Phelan-McDermid syndrome. Also called: TELOMERIC 22q13 MONOSOMY SYNDROME; 22q13.3 deletion syndrome; Phelan-McDermid Syndrome-SHANK3 Related. Identifiers: Orphanet 48652, MedGen C1853490, MONDO:0011652, OMIM 606232.

Allele frequency attached by ClinVar (database versions not stated): TOPMed below 0.00001.

Submission:

Division of Human Genetics, Children's Hospital of Philadelphia
Classification: Uncertain significance for Phelan-McDermid syndrome. Last evaluated: 2015-05-07. Review status: no assertion criteria provided. Collection method: research. Allele origin: germline. Affected: yes. Study: CSER-PediSeq.
Comment: The heterozygous variant in the SHANK3 gene (c.815A>G; p.Tyr272Cys) associated with autosomal dominant Phenlan-McDermid syndrome (MIM: 606232) is considered a variant of uncertain significance. This variant is absent in the ExAC database and not previously published in the literature. This variants impact amino acids located in highly conserved regions and represent non-conservative changes. The (c.815A>G; p.Tyr272Cys) is located in a functional domain (Ankyrin repeat 4).

NM_001372044.2(SHANK3):c.1040A>G (p.Tyr347Cys)

Gene: SHANK3 (SH3 and multiple ankyrin repeat domains 3; plus strand). Cytogenetic location: 22q13.33.
Variant type: single nucleotide variant.
Coding change: c.1040A>G on transcript NM_001372044.2 (MANE Select); coding-DNA position 1040, A replaced by G.
Protein change: p.Tyr347Cys; replaces tyrosine 347 with cysteine.
Molecular consequence: missense variant.
Genome position (GRCh38, 1-based): chr22:50,679,358, A>G. VCF-style: chr22-50679358-A-G. GRCh37 (hg19) VCF-style: chr22-51117786-A-G.
Other names: c.815A>G, p.Tyr272Cys (NM_033517.1); short protein forms Y272C, Y347C.
Identifiers: ClinVar variation 203380 (VCV000203380.1), dbSNP rs1555905749, ClinGen allele CA275511.